The following is an entry in ClinVar:

Single allele

Gene: TBCK (TBC1 domain containing kinase; minus strand). Cytogenetic location: 4q24.
Variant type: Deletion.
Identifiers: ClinVar variation 4056475 (VCV004056475.1).

ClinVar aggregate classification (germline): Pathogenic (1 of 4 stars; one submission).

Conditions:
Hypotonia, infantile, with psychomotor retardation and characteristic facies 3 (IHPRF3). Also called: TBCK-Related Neurodevelopmental Disorder. Identifiers: Orphanet 488632, MedGen C5567480, MONDO:0014823, OMIM 616900.

Submission:

Broad Center for Mendelian Genomics, Broad Institute of MIT and Harvard
Classification: Pathogenic for Hypotonia, infantile, with psychomotor retardation and characteristic facies 3. Last evaluated: 2025-06-06. Review status: criteria provided, single submitter. Criteria: ACMG/ClinGen CNV Guidelines, 2019. Collection method: curation. Allele origin: unknown. Inheritance: Autosomal recessive inheritance.
Comment: The exon 7-22 del variant in TBCK has been reported in two siblings with TBCK-related intellectual disability syndrome (PMID: 27040691). Two overlapping deletions of similar genomic content to this variant have been identified in 0.008% (1/12594) of Admixed American chromosomes by the Genome Aggregation Database, with no homozygotes (gnomAD; Structural variant: DEL_CHR4_5818F21E; Copy number variant: 399620__DEL). Although deletions overlapping the region of this CNV have been seen in the general population in a heterozygous state, its frequency is not high enough to rule out a pathogenic role. Of the two affected individuals, both were compound heterozygotes that carried a reported pathogenic variant in trans, which increases the likelihood that the exon 7-22 del variant is pathogenic (Variation ID: 225235; PMID: 27040691). This intragenic variant is predicted to cause a frameshift, which alters the protein’s amino acid sequence beginning at exon 7 and leads to a premature termination codon. This alteration is then predicted to lead to a truncated or absent protein. Loss of function of the TBCK gene is an established disease mechanism in autosomal recessive TBCK-related intellectual disability syndrome. In summary, this variant meets criteria to be classified as pathogenic for autosomal recessive TBCK-related intellectual disability syndrome. The ACMG/ClinGen evidence codes and points used in this curation are as follows: 1: 0 points, 2: 0.9 points, 3: 0 points, 4-5: 0.3 points; Total: 1.2 points; Riggs 2020 (PMID: 31690835).

Literature cited by the submitters: PubMed 27040691.